The following is an entry in ClinVar:

ClinVar aggregate classification (germline): Benign/Likely benign. Review status: criteria provided, multiple submitters, no conflicts (2 of 4 stars). 3 submissions from 3 submitters: Benign (1); Likely benign (2). Last evaluated 2025-05-18.

Conditions:
Juvenile polyposis syndrome (JPS). Identifiers: Orphanet 2929, MedGen C0345893, MONDO:0017380, OMIM 174900.
Familial thoracic aortic aneurysm and aortic dissection (TAAD). Also called: Thoracic aortic aneurysms and dissections. Identifiers: Orphanet 91387, MedGen C4707243, MONDO:0019625.
Hereditary cancer-predisposing syndrome. Also called: Neoplastic Syndromes, Hereditary; Hereditary neoplastic syndrome; Hereditary Cancer Syndrome; Tumor predisposition. Identifiers: Orphanet 140162, MedGen C0027672, MeSH D009386, MONDO:0015356.
Juvenile polyposis/hereditary hemorrhagic telangiectasia syndrome (JPHT). Also called: JP/HHT SYNDROME; JUVENILE POLYPOSIS WITH HEREDITARY HEMORRHAGIC TELANGIECTASIA; POLYPOSIS, GENERALIZED JUVENILE, WITH PULMONARY ARTERIOVENOUS MALFORMATION; TELANGIECTASIA, HEREDITARY HEMORRHAGIC, WITH JUVENILE POLYPOSIS COLI; Juvenile Polyposis Syndrome / Hereditary Hemorrhagic Telangiectasia (JPS/HHT). Identifiers: Orphanet 2929, MedGen C1832942, MONDO:0008278, OMIM 175050.

Submissions (3):

Labcorp Genetics (formerly Invitae), Labcorp
Classification: Likely benign for Juvenile polyposis syndrome. Last evaluated: 2025-05-18. Review status: criteria provided, single submitter. Criteria: Invitae Variant Classification Sherloc (09022015). Collection method: clinical testing. Allele origin: germline.

Myriad Genetics, Inc.
Classification: Benign for Juvenile polyposis/hereditary hemorrhagic telangiectasia syndrome. Last evaluated: 2025-03-19. Review status: criteria provided, single submitter. Criteria: Myriad Autosomal Dominant, Autosomal Recessive and X-Linked Classification Criteria (2023). Collection method: clinical testing. Allele origin: unknown.
Comment: This variant is considered benign. This variant is a silent/synonymous amino acid change and it is not expected to impact splicing.

Ambry Genetics
Classification: Likely benign for Hereditary cancer-predisposing syndrome; Familial thoracic aortic aneurysm and aortic dissection. Last evaluated: 2018-04-25. Review status: criteria provided, single submitter. Criteria: Ambry Variant Classification Scheme 2023. Collection method: clinical testing. Allele origin: germline.

NM_005359.6(SMAD4):c.648C>T (p.Asn216=)

Gene: SMAD4 (SMAD family member 4; plus strand). Cytogenetic location: 18q21.2.
Variant type: single nucleotide variant.
Coding change: c.648C>T on transcript NM_005359.6 (MANE Select); coding-DNA position 648, C replaced by T.
Protein change: p.Asn216=; no amino-acid change (asparagine 216 retained).
Molecular consequence: synonymous variant.
Genome position (GRCh38, 1-based): chr18:51,054,974, C>T. VCF-style: chr18-51054974-C-T. GRCh37 (hg19) VCF-style: chr18-48581344-C-T.
Identifiers: ClinVar variation 792658 (VCV000792658.12), dbSNP rs1599187091, ClinGen allele CA503873791.